The following is an entry in ClinVar:

NM_001083926.2(ASRGL1):c.255A>C (p.Lys85Asn)

Gene: ASRGL1 (asparaginase and isoaspartyl peptidase 1; plus strand). Cytogenetic location: 11q12.3.
Variant type: single nucleotide variant.
Coding change: c.255A>C on transcript NM_001083926.2 (MANE Select); coding-DNA position 255, A replaced by C.
Protein change: p.Lys85Asn; replaces lysine 85 with asparagine.
Molecular consequence: missense variant.
Genome position (GRCh38, 1-based): chr11:62,356,389, A>C. VCF-style: chr11-62356389-A-C. GRCh37 (hg19) VCF-style: chr11-62123861-A-C.
Other names: c.255A>C, p.Lys85Asn (NM_025080.4); short protein forms K85N.
Identifiers: ClinVar variation 955200 (VCV000955200.9), dbSNP rs774341469, ClinGen allele CA6043135.

ClinVar aggregate classification (germline): Uncertain significance (1 of 4 stars; one submission).

Allele frequency attached by ClinVar (database versions not stated): gnomAD exomes below 0.00001 and 0.00001; ExAC 0.00001.
gnomAD v4.1: 20 of 1,614,222 alleles (0.0012%); highest among the groups gnomAD compares: Non-Finnish European, 0.0017%; no homozygotes.

Submission:

Labcorp Genetics (formerly Invitae), Labcorp
Classification: Uncertain significance. Last evaluated: 2025-11-10. Review status: criteria provided, single submitter. Criteria: Invitae Variant Classification Sherloc (09022015). Collection method: clinical testing. Allele origin: germline.
Comment: This sequence change replaces lysine, which is basic and polar, with asparagine, which is neutral and polar, at codon 85 of the ASRGL1 protein (p.Lys85Asn). This variant is present in population databases (rs774341469, gnomAD 0.0009%). This variant has not been reported in the literature in individuals affected with ASRGL1-related conditions. ClinVar contains an entry for this variant (Variation ID: 955200). An algorithm developed to predict the effect of missense changes on protein structure and function (PolyPhen-2) suggests that this variant is likely to be disruptive. In summary, the available evidence is currently insufficient to determine the role of this variant in disease. Therefore, it has been classified as a Variant of Uncertain Significance.